The following is an entry in ClinVar:

ClinVar aggregate classification (germline): Uncertain significance (1 of 4 stars; one submission).

Allele frequency attached by ClinVar (database versions not stated): gnomAD exomes below 0.00001; ExAC 0.00001; gnomAD 0.00001; TOPMed 0.00001; ESP Exome Variant Server 0.00008.
gnomAD v4.1: 4 of 1,608,936 alleles (0.00025%); highest among the groups gnomAD compares: African/African-American, 0.0013%; no homozygotes.

Submission:

Women's Health and Genetics/Laboratory Corporation of America, LabCorp
Classification: Uncertain significance. Last evaluated: 2024-11-26. Review status: criteria provided, single submitter. Criteria: LabCorp Variant Classification Summary - May 2015. Collection method: clinical testing. Allele origin: germline.
Comment: Variant summary: PC c.184C>T (p.Arg62Cys) results in a non-conservative amino acid change in the encoded protein sequence. Five of five in-silico tools predict a damaging effect of the variant on protein function. The variant allele was found at a frequency of 4.1e-06 in 243504 control chromosomes (gnomAD). The available data on variant occurrences in the general population are insufficient to allow any conclusion about variant significance. c.184C>T has been reported in the literature in an individual affected with Pyruvate Carboxylase Deficiency who also had two other missense variants in a somatic mosaic state and without confirmation of germline inheritance (Wang_2008). This report does not provide unequivocal conclusions about association of the variant with Pyruvate Carboxylase Deficiency. To our knowledge, no experimental evidence demonstrating an impact on protein function has been reported. The following publication has been ascertained in the context of this evaluation (PMID: 18676167). No submitters have cited clinical-significance assessments for this variant to ClinVar. Based on the evidence outlined above, the variant was classified as uncertain significance.

Literature cited by the submitters: PubMed 18676167.

NM_001040716.2(PC):c.184C>T (p.Arg62Cys)

Gene: PC (pyruvate carboxylase; minus strand). Cytogenetic location: 11q13.2.
Variant type: single nucleotide variant.
Coding change: c.184C>T on transcript NM_001040716.2 (MANE Select); coding-DNA position 184, C replaced by T.
Protein change: p.Arg62Cys; replaces arginine 62 with cysteine.
Molecular consequence: missense variant.
Genome position (GRCh38, 1-based): chr11:66,871,824, G>A on the plus strand (C>T on the coding strand, the complement: PC is on the minus strand). VCF-style: chr11-66871824-G-A. GRCh37 (hg19) VCF-style: chr11-66639295-G-A.
Other names: c.184C>T, p.Arg62Cys (NM_000920.4, NM_022172.3); short protein forms R62C.
Identifiers: ClinVar variation 3629547 (VCV003629547.2), dbSNP rs113994141.
Genomic context (GRCh38, chr11:66,871,824, plus strand): 5'-CATCTGCTTTCTGCCGGTGCATCTGGCCCGTGTCCTGCTCAGAGTAGATGGCTACGGTGC[G>A]GATGCCCAGCTCCGTGCAGGCCCGGAACACACGGATGGCAATCTCACCTAGAGGGCAAAG-3'
Protein context (NP_001035806.1, residues 52-72): VFRACTELGI[Arg62Cys]TVAIYSEQDT